The following is an entry in ClinVar:

NM_002878.4(RAD51D):c.486_532del (p.Glu162fs)

Genes: RAD51D (RAD51 paralog D; minus strand), RAD51L3-RFFL (RAD51L3-RFFL readthrough; minus strand). Cytogenetic location: 17q12.
Variant type: Deletion.
Coding change: c.486_532del on transcript NM_002878.4 (MANE Select); coding-DNA positions 486 to 532, 47 bases deleted.
Protein change: p.Glu162fs; shifts the reading frame from glutamic acid 162.
Molecular consequence: frameshift variant. On other transcripts: non-coding transcript variant (3).
Genome position (GRCh38, 1-based): chr17:35,106,430-35,106,476, 47 bases deleted; deleting any 47 consecutive bases within chr17:35,106,430-35,106,480 gives the same sequence; the c. name uses the placement nearest the transcript's 3' end. GRCh37 (hg19): chr17:33,433,453-33,433,499.
Other names: c.546_592del, p.Glu182fs (NM_001142571.2); c.150_196del, p.Glu50fs (NM_133629.3); c.486_532del47 (NM_002878.3); short protein forms E162fs, E50fs, E182fs.
Identifiers: ClinVar variation 825239 (VCV000825239.4), dbSNP rs1597861744, ClinGen allele CA915949984.

ClinVar aggregate classification (germline): Likely pathogenic (1 of 4 stars; one submission).

Conditions:
Hereditary cancer-predisposing syndrome. Also called: Neoplastic Syndromes, Hereditary; Tumor predisposition; Hereditary neoplastic syndrome; Hereditary Cancer Syndrome. Identifiers: Orphanet 140162, MedGen C0027672, MeSH D009386, MONDO:0015356.

Submission:

Ambry Genetics
Classification: Likely pathogenic for Hereditary cancer-predisposing syndrome. Last evaluated: 2019-10-28. Review status: criteria provided, single submitter. Criteria: Ambry Variant Classification Scheme 2023. Collection method: clinical testing. Allele origin: germline.
Comment: The c.486_532del47 variant, located in coding exon 6 of the RAD51D gene, results from a deletion of 47 nucleotides at nucleotide positions 486 to 532, causing a translational frameshift with a predicted alternate stop codon (p.E162Dfs*149). Premature stop codons are typically deleterious in nature; however, this stop codon occurs at the 3' terminus of RAD51D, and is not expected to trigger nonsense-mediated mRNA decay. This alteration is predicted to result in an alternate stop codon at amino acid position 310 and is predicted to remove only the last 19 amino acids of the protein. The exact functional impact of these removed amino acids is unknown at this time; however, structural analysis shows that this variant affects over 50% of the ATPase domain, including the Walker B motif, which is critical to nucleotide and XRCC2 binding (Wiese C et al. Nucleic Acids Res. 2006 May;34(9):2833-43; Morrison C et al. Mol. Cell. Biol. 1999 Oct;19(10):6891-7; Ambry internal data), and also affects conserved C-terminal residues critical to proper orientation of bound ATP (Amunugama R et al. J. Biol. Chem. 2012 Mar;287(12):8724-36). As such, this alteration is classified as likely pathogenic.